The following is an entry in ClinVar:

ClinVar aggregate classification (germline): Uncertain significance (1 of 4 stars; one submission).

Conditions:
Hereditary spastic paraplegia 39 (SPG39). Also called: SPASTIC PARAPLEGIA 39, AUTOSOMAL RECESSIVE; Spastic Paraplegia Type 39 (SPG39). Identifiers: Orphanet 139480, MedGen C2677586, MONDO:0012787, OMIM 612020.

Submission:

Labcorp Genetics (formerly Invitae), Labcorp
Classification: Uncertain significance for Hereditary spastic paraplegia 39. Last evaluated: 2022-07-26. Review status: criteria provided, single submitter. Criteria: Invitae Variant Classification Sherloc (09022015). Collection method: clinical testing. Allele origin: germline.
Comment: In summary, the available evidence is currently insufficient to determine the role of this variant in disease. Therefore, it has been classified as a Variant of Uncertain Significance. Experimental studies and prediction algorithms are not available or were not evaluated, and the functional significance of this variant is currently unknown. This variant has not been reported in the literature in individuals affected with PNPLA6-related conditions. This variant is not present in population databases (gnomAD no frequency). This variant, c.217_219del, results in the deletion of 1 amino acid(s) of the PNPLA6 protein (p.Ser73del), but otherwise preserves the integrity of the reading frame.

NM_001166114.2(PNPLA6):c.331TCC[1] (p.Ser112del)

Gene: PNPLA6 (patatin like domain 6, lysophospholipase; plus strand). Cytogenetic location: 19p13.2.
Variant type: Microsatellite.
Coding change: c.331TCC[1] on transcript NM_001166114.2 (MANE Select); one copy of the 3-base unit TCC starting at c.331; the reference has two copies in a row; one copy, 3 bases deleted.
Protein change: p.Ser112del; deletes serine 112.
Molecular consequence: inframe deletion.
Genome position (GRCh38, 1-based): chr19:7,536,467-7,536,469, TCC deleted; deleting any 3 consecutive bases within chr19:7,536,462-7,536,469 gives the same sequence; the position shown is the placement nearest the transcript's 3' end. VCF-style (leftmost placement, unchanged base first): chr19-7536461-ACCT-A. GRCh37 (hg19) VCF-style: chr19-7601347-ACCT-A.
Other names: c.358TCC[1], p.Ser121del (NM_001166111.2); c.214TCC[1], p.Ser73del (NM_001166112.2, NM_001166113.1, NM_006702.5); short protein forms S112del, S121del, S73del.
Identifiers: ClinVar variation 2012465 (VCV002012465.4), dbSNP rs2512488395, ClinGen allele CA2580613035.